The following is an entry in ClinVar:

NM_020911.2(PLXNA4):c.3158+7G>A

Gene: PLXNA4 (plexin A4; minus strand). Cytogenetic location: 7q32.3.
Variant type: single nucleotide variant.
Coding change: c.3158+7G>A on transcript NM_020911.2 (MANE Select); 7 bases into the intron after coding-DNA position 3158, G replaced by A.
Molecular consequence: intron variant.
Genome position (GRCh38, 1-based): chr7:132,185,292, C>T on the plus strand (G>A on the coding strand, the complement: PLXNA4 is on the minus strand). VCF-style: chr7-132185292-C-T. GRCh37 (hg19) VCF-style: chr7-131870051-C-T.
Other names: c.3158+7G>A (NM_001393897.1).
Identifiers: ClinVar variation 3031312 (VCV003031312.2), dbSNP rs200231137, ClinGen allele CA4489598.
Genomic context (GRCh38, chr7:132,185,292, plus strand): 5'-CTTTCAAGAGTCAGGGAAGGGAAACAGAGGTGCAGAAGCATTAAGGTCCGCTTGGGCCAG[C>T]TCCTACCTGACAATGCTCCATTCTGGCTCAATCCGCACGATGGTGGGGTCTTCCACATAC-3'

ClinVar aggregate classification (germline): Likely benign (0 of 4 stars; one submission).

Conditions:
PLXNA4-related disorder. Also called: PLXNA4-related condition.

Allele frequency attached by ClinVar (database versions not stated): gnomAD exomes below 0.00001; ExAC 0.00003; gnomAD 0.00006; TOPMed 0.00011; 1000 Genomes Project 30x 0.00047; 1000 Genomes Project 0.00060.
gnomAD v4.1: 17 of 1,610,136 alleles (0.0011%); highest among the groups gnomAD compares: Admixed American, 0.018%; no homozygotes.

Submission:

PreventionGenetics, part of Exact Sciences
Classification: Likely benign for PLXNA4-related condition. Last evaluated: 2022-05-24. Review status: no assertion criteria provided. Collection method: clinical testing. Allele origin: germline.
Comment: This variant is classified as likely benign based on ACMG/AMP sequence variant interpretation guidelines (Richards et al. 2015 PMID: 25741868, with internal and published modifications).